The following is an entry in ClinVar:

NM_007325.5(GRIA3):c.1237A>G (p.Ile413Val)

Gene: GRIA3 (glutamate ionotropic receptor AMPA type subunit 3; plus strand). Cytogenetic location: Xq25.
Variant type: single nucleotide variant.
Coding change: c.1237A>G on transcript NM_007325.5 (MANE Select); coding-DNA position 1237, A replaced by G.
Protein change: p.Ile413Val; replaces isoleucine 413 with valine.
Molecular consequence: missense variant.
Genome position (GRCh38, 1-based): chrX:123,403,463, A>G. VCF-style: chrX-123403463-A-G. GRCh37 (hg19) VCF-style: chrX-122537314-A-G.
Other names: c.1237A>G, p.Ile413Val (NM_000828.5); short protein forms I413V.
Identifiers: ClinVar variation 1923611 (VCV001923611.5), dbSNP rs1226327046, ClinGen allele CA414258743.

ClinVar aggregate classification (germline): Uncertain significance (1 of 4 stars; one submission).

Allele frequency attached by ClinVar (database versions not stated): gnomAD exomes 0.00001; gnomAD 0.00003.
gnomAD v4.1: 16 of 1,195,207 alleles (0.0013%); highest among the groups gnomAD compares: Non-Finnish European, 0.0017%; no homozygotes.

Submission:

Labcorp Genetics (formerly Invitae), Labcorp
Classification: Uncertain significance. Last evaluated: 2024-01-16. Review status: criteria provided, single submitter. Criteria: Invitae Variant Classification Sherloc (09022015). Collection method: clinical testing. Allele origin: germline.
Comment: This sequence change replaces isoleucine, which is neutral and non-polar, with valine, which is neutral and non-polar, at codon 413 of the GRIA3 protein (p.Ile413Val). This variant is present in population databases (no rsID available, gnomAD 0.003%). This variant has not been reported in the literature in individuals affected with GRIA3-related conditions. ClinVar contains an entry for this variant (Variation ID: 1923611). Advanced modeling of protein sequence and biophysical properties (such as structural, functional, and spatial information, amino acid conservation, physicochemical variation, residue mobility, and thermodynamic stability) performed at Invitae indicates that this missense variant is not expected to disrupt GRIA3 protein function with a negative predictive value of 80%. In summary, the available evidence is currently insufficient to determine the role of this variant in disease. Therefore, it has been classified as a Variant of Uncertain Significance.